The following is an entry in ClinVar:

NM_004667.6(HERC2):c.9384C>T (p.Tyr3128=)

Gene: HERC2 (HECT and RLD domain containing E3 ubiquitin protein ligase 2; minus strand). Cytogenetic location: 15q13.1.
Variant type: single nucleotide variant.
Coding change: c.9384C>T on transcript NM_004667.6 (MANE Select); coding-DNA position 9384, C replaced by T.
Protein change: p.Tyr3128=; no amino-acid change (tyrosine 3128 retained).
Molecular consequence: synonymous variant.
Genome position (GRCh38, 1-based): chr15:28,176,998, G>A on the plus strand (C>T on the coding strand, the complement: HERC2 is on the minus strand). VCF-style: chr15-28176998-G-A. GRCh37 (hg19) VCF-style: chr15-28422144-G-A.
Identifiers: ClinVar variation 2645055 (VCV002645055.25), dbSNP rs569987062, ClinGen allele CA7441175.

ClinVar aggregate classification (germline): Likely benign. Review status: criteria provided, multiple submitters, no conflicts (2 of 4 stars). 2 submissions from 2 submitters: Likely benign (2). Last evaluated 2026-07-01.

Allele frequency attached by ClinVar (database versions not stated): TOPMed 0.00011; gnomAD 0.00025; gnomAD exomes 0.00053; ExAC 0.00121; 1000 Genomes Project 30x 0.00156; 1000 Genomes Project 0.00160.

Submissions (2):

CeGaT Center for Human Genetics Tuebingen
Classification: Likely benign. Last evaluated: 2026-07-01. Review status: criteria provided, single submitter. Criteria: CeGaT Center For Human Genetics Tuebingen Variant Classification Criteria Version 2. Collection method: clinical testing. Allele origin: germline. Affected: yes. Observed: 4 variant alleles.
Comment: HERC2: BS2

Blueprint Genetics
Classification: Likely benign. Last evaluated: 2024-11-26. Review status: criteria provided, single submitter. Criteria: ACMG Guidelines, 2015. Collection method: clinical testing. Allele origin: germline.